The following is an entry in ClinVar:

ClinVar aggregate classification (germline): Pathogenic. Review status: criteria provided, single submitter (1 of 4 stars). 2 submissions from 2 submitters: Pathogenic (1). 1 of the submissions does not count toward it. Last evaluated 2023-03-01.

Conditions:
Spondyloepimetaphyseal dysplasia with joint laxity, type 1, with fractures. Identifiers: MedGen C4017378.
Spondyloepimetaphyseal dysplasia with joint laxity, type 1, with or without fractures (SEMDJL1). Also called: SPONDYLOEPIMETAPHYSEAL DYSPLASIA WITH JOINT LAXITY, TYPE 1. Identifiers: Orphanet 642099, Orphanet 93359, MedGen C4017377, MONDO:0010075, OMIM 271640.

gnomAD v4.1: 1 of 1,562,298 alleles (0.000064%); highest among the groups gnomAD compares: South Asian, 0.0012%; no homozygotes.

Submissions (2):

Payam Genetics Center, General Welfare Department of North Khorasan Province
Classification: Pathogenic for Spondyloepimetaphyseal dysplasia with joint laxity, type 1, with or without fractures. Last evaluated: 2023-03-01. Review status: criteria provided, single submitter. Criteria: ACMG Guidelines, 2015. Collection method: clinical testing. Allele origin: germline. Affected: yes. Observed: 3 variant alleles.
Comment: The B3GALT6 c.619G>C (p.D207H) is a missense mutation and results at the protein level is a dysfunctional that predicted lead to disease. This variant is not present in Iranian population databases. This variant as Pathogenic according to the AMCG classification. This mutation has been reported for its pathogenicity.

OMIM
Classification: Pathogenic for SPONDYLOEPIMETAPHYSEAL DYSPLASIA WITH JOINT LAXITY, TYPE 1, WITH FRACTURES. Last evaluated: 2013-06-06. Review status: no assertion criteria provided. Collection method: literature only. Allele origin: germline. Not counted in ClinVar's aggregate classification.

Literature cited by the submitters: PubMed 23664118 (cited by OMIM).

NM_080605.4(B3GALT6):c.619G>C (p.Asp207His)

Gene: B3GALT6 (beta-1,3-galactosyltransferase 6; plus strand). Cytogenetic location: 1p36.33.
Variant type: single nucleotide variant.
Coding change: c.619G>C on transcript NM_080605.4 (MANE Select); coding-DNA position 619, G replaced by C.
Protein change: p.Asp207His; replaces aspartic acid 207 with histidine.
Molecular consequence: missense variant.
Genome position (GRCh38, 1-based): chr1:1,232,897, G>C. VCF-style: chr1-1232897-G-C. GRCh37 (hg19) VCF-style: chr1-1168277-G-C.
Other names: B3GALT6, ASP207HIS; short protein forms D207H.
Identifiers: ClinVar variation 60495 (VCV000060495.3), dbSNP rs397514723, ClinGen allele CA144534.